The following is an entry in ClinVar:

NM_001378609.3(OTOGL):c.5145G>A (p.Trp1715Ter)

Gene: OTOGL (otogelin like; plus strand). Cytogenetic location: 12q21.31.
Variant type: single nucleotide variant.
Coding change: c.5145G>A on transcript NM_001378609.3 (MANE Select); coding-DNA position 5145, G replaced by A.
Protein change: p.Trp1715Ter; replaces tryptophan 1715 with a stop codon.
Molecular consequence: nonsense.
Genome position (GRCh38, 1-based): chr12:80,342,042, G>A. VCF-style: chr12-80342042-G-A. GRCh37 (hg19) VCF-style: chr12-80735822-G-A.
Other names: c.5118G>A (NM_173591.3); c.5010G>A, p.Trp1670Ter (NM_001368062.3); c.5145G>A, p.Trp1715Ter (NM_001378610.3, NM_173591.7); short protein forms W1670*, W1715*.
Identifiers: ClinVar variation 3238893 (VCV003238893.3), dbSNP rs749086609.
Genomic context (GRCh38, chr12:80,342,042, plus strand): 5'-GATGCAAAATGGCACAATTATTACAAATATGGAAGACATAGGATTATTTATTGAGAGCTG[G>A]GAAATTGAGAAATCATTTGAAGTAACAATGAGAAGACCTGTTAGGAATTGTACTGAGCAT-3'

ClinVar aggregate classification (germline): Conflicting classifications of pathogenicity. Review status: criteria provided, conflicting classifications (1 of 4 stars). 3 submissions from 3 submitters: Likely pathogenic (1); Uncertain significance (1). 1 of the submissions does not count toward it. Last evaluated 2026-04-16.

Conditions:
OTOGL-related disorder. Also called: OTOGL-related condition.
Meniere disease. Also called: Ménière's disease. Identifiers: MedGen C0025281, MONDO:0007972, OMIM 156000.

Allele frequency attached by ClinVar (database versions not stated): gnomAD exomes 0.00008; gnomAD 0.00004; ExAC 0.00005; TOPMed 0.00003.
gnomAD v4.1: 119 of 1,607,548 alleles (0.0074%); highest among the groups gnomAD compares: Non-Finnish European, 0.0098%; no homozygotes.

Submissions (3):

GeneDx
Classification: Uncertain significance. Last evaluated: 2026-04-16. Review status: criteria provided, single submitter. Criteria: GeneDx Variant Classification Process June 2021. Collection method: clinical testing. Allele origin: germline.
Comment: Nonsense variant predicted to result in protein truncation or nonsense mediated decay in a gene for which loss of function is a known mechanism of disease; Has not been previously published as pathogenic or benign to our knowledge

Blueprint Genetics
Classification: Likely pathogenic for OTOGL-related disorders. Last evaluated: 2024-10-31. Review status: criteria provided, single submitter. Criteria: ACMG Guidelines, 2015. Collection method: clinical testing. Allele origin: germline. Affected: yes. Observed: 5 variant alleles.

Center for Computational Biology & Bioinformatics, University of California, San Diego
Classification: Uncertain significance for Meniere disease. Last evaluated: 2024-06-03. Review status: no assertion criteria provided. Collection method: research. Allele origin: germline. Affected: yes. Not counted in ClinVar's aggregate classification.